The following is an entry in ClinVar:

ClinVar aggregate classification (germline): Uncertain significance (1 of 4 stars; one submission).

Conditions:
Hereditary cancer-predisposing syndrome. Also called: Hereditary Cancer Syndrome; Hereditary neoplastic syndrome; Neoplastic Syndromes, Hereditary; Tumor predisposition. Identifiers: Orphanet 140162, MedGen C0027672, MeSH D009386, MONDO:0015356.

Submission:

Ambry Genetics
Classification: Uncertain significance for Hereditary cancer-predisposing syndrome. Last evaluated: 2026-06-30. Review status: criteria provided, single submitter. Criteria: Ambry Variant Classification Scheme 2023. Collection method: clinical testing. Allele origin: germline.
Comment: The c.1446+3G>C intronic variant results from a G to C substitution 3 nucleotides after coding exon 13 in the NF2 gene. This nucleotide position is not well conserved in available vertebrate species. In silico splice site analysis predicts that this alteration will result in the creation or strengthening of a novel splice donor site; however, direct evidence is insufficient at this time (Ambry internal data). Based on the available evidence, the clinical significance of this variant remains unclear.

NM_000268.4(NF2):c.1446+3G>C

Gene: NF2 (NF2, moesin-ezrin-radixin like (MERLIN) tumor suppressor; plus strand). Cytogenetic location: 22q12.2.
Variant type: single nucleotide variant.
Coding change: c.1446+3G>C on transcript NM_000268.4 (MANE Select); 3 bases into the intron after coding-DNA position 1446, G replaced by C.
Molecular consequence: intron variant.
Genome position (GRCh38, 1-based): chr22:29,674,944, G>C. VCF-style: chr22-29674944-G-C. GRCh37 (hg19) VCF-style: chr22-30070933-G-C.
Other names: c.1446+3G>C (NM_016418.5, NM_181832.3, NM_001407060.1 and 2 more transcripts); c.1332+3G>C (NM_001407056.1, NM_001407053.1); c.1215+3G>C (NM_001407067.1); c.912+3G>C (NM_001407065.1); c.1311+3G>C (NM_001407059.1, NM_001407057.1); c.448-19808G>C (NM_181833.3); c.1323+3G>C (NM_001407058.1, NM_181829.3, NM_001407054.1); c.1188+3G>C (NM_001407062.1); and 2 more.
Identifiers: ClinVar variation 4661250 (VCV004661250.2).
Genomic context (GRCh38, chr22:29,674,944, plus strand): 5'-GGCGGAGCGAAGAGCCAAGCAGAAGCTCCTGGAGATTGCCACCAAGCCCACGTACCCGGT[G>C]AGCCTGGGGGCCACCAGCTGGGGCTGCCTTAGTCCTGGTGATGTTCTCTTTCCTCCCGGC-3'